The following is an entry in ClinVar:

ClinVar aggregate classification (germline): Pathogenic (1 of 4 stars; one submission).

Allele frequency attached by ClinVar (database versions not stated): gnomAD exomes below 0.00001.

Submission:

Labcorp Genetics (formerly Invitae), Labcorp
Classification: Pathogenic. Last evaluated: 2022-10-23. Review status: criteria provided, single submitter. Criteria: Invitae Variant Classification Sherloc (09022015). Collection method: clinical testing. Allele origin: germline.
Comment: This sequence change creates a premature translational stop signal (p.Gln391*) in the DNAJC21 gene. It is expected to result in an absent or disrupted protein product. Loss-of-function variants in DNAJC21 are known to be pathogenic (PMID: 27346687, 28062395). This variant is not present in population databases (gnomAD no frequency). This variant has not been reported in the literature in individuals affected with DNAJC21-related conditions. Algorithms developed to predict the effect of sequence changes on RNA splicing suggest that this variant may disrupt the consensus splice site. For these reasons, this variant has been classified as Pathogenic.

Literature cited by the submitters: PubMed 27346687; PubMed 28062395.

NM_001012339.3(DNAJC21):c.1171C>T (p.Gln391Ter)

Gene: DNAJC21 (DnaJ heat shock protein family (Hsp40) member C21; plus strand). Cytogenetic location: 5p13.2.
Variant type: single nucleotide variant.
Coding change: c.1171C>T on transcript NM_001012339.3 (MANE Select); coding-DNA position 1171, C replaced by T.
Protein change: p.Gln391Ter; replaces glutamine 391 with a stop codon.
Molecular consequence: nonsense.
Genome position (GRCh38, 1-based): chr5:34,945,789, C>T. VCF-style: chr5-34945789-C-T. GRCh37 (hg19) VCF-style: chr5-34945894-C-T.
Other names: c.1210C>T, p.Gln404Ter (NM_001348420.2); c.1171C>T, p.Gln391Ter (NM_194283.4); short protein forms Q391*, Q404*.
Identifiers: ClinVar variation 2809444 (VCV002809444.3), dbSNP rs1765158546, ClinGen allele CA359419619.